The following is an entry in ClinVar:

ClinVar aggregate classification (germline): Uncertain significance (1 of 4 stars; one submission).

Conditions:
Perlman syndrome (PRLMNS). Identifiers: Orphanet 2849, MedGen C0796113, MONDO:0009965, OMIM 267000.

Allele frequency attached by ClinVar (database versions not stated): gnomAD exomes below 0.00001; ExAC 0.00001.
gnomAD v4.1: 1 of 1,614,082 alleles (0.000062%); highest among the groups gnomAD compares: East Asian, 0.0022%; no homozygotes.

Submission:

Labcorp Genetics (formerly Invitae), Labcorp
Classification: Uncertain significance for Perlman syndrome. Last evaluated: 2024-05-20. Review status: criteria provided, single submitter. Criteria: Invitae Variant Classification Sherloc (09022015). Collection method: clinical testing. Allele origin: germline.
Comment: This sequence change replaces glutamine, which is neutral and polar, with glutamic acid, which is acidic and polar, at codon 152 of the DIS3L2 protein (p.Gln152Glu). This variant is not present in population databases (gnomAD no frequency). This variant has not been reported in the literature in individuals affected with DIS3L2-related conditions. ClinVar contains an entry for this variant (Variation ID: 1011227). An algorithm developed to predict the effect of missense changes on protein structure and function (PolyPhen-2) suggests that this variant is likely to be tolerated. In summary, the available evidence is currently insufficient to determine the role of this variant in disease. Therefore, it has been classified as a Variant of Uncertain Significance.

NM_152383.5(DIS3L2):c.454C>G (p.Gln152Glu)

Gene: DIS3L2 (DIS3 like 3'-5' exoribonuclease 2; plus strand). Cytogenetic location: 2q37.1.
Variant type: single nucleotide variant.
Coding change: c.454C>G on transcript NM_152383.5 (MANE Select); coding-DNA position 454, C replaced by G.
Protein change: p.Gln152Glu; replaces glutamine 152 with glutamic acid.
Molecular consequence: missense variant. On other transcripts: non-coding transcript variant (2).
Genome position (GRCh38, 1-based): chr2:232,087,574, C>G. VCF-style: chr2-232087574-C-G. GRCh37 (hg19) VCF-style: chr2-232952284-C-G.
Other names: c.454C>G, p.Gln152Glu (NM_001257281.2, NM_001257282.2); short protein forms Q152E.
Identifiers: ClinVar variation 1011227 (VCV001011227.8), dbSNP rs748219715, ClinGen allele CA2163830.